The following is an entry in ClinVar:

NM_005188.4(CBL):c.1888C>T (p.Pro630Ser)

Gene: CBL (Cbl proto-oncogene; plus strand). Cytogenetic location: 11q23.3.
Variant type: single nucleotide variant.
Coding change: c.1888C>T on transcript NM_005188.4 (MANE Select); coding-DNA position 1888, C replaced by T.
Protein change: p.Pro630Ser; replaces proline 630 with serine.
Molecular consequence: missense variant.
Genome position (GRCh38, 1-based): chr11:119,285,513, C>T. VCF-style: chr11-119285513-C-T. GRCh37 (hg19) VCF-style: chr11-119156223-C-T.
Other names: c.1888C>T (NM_005188.2); short protein forms P630S.
Identifiers: ClinVar variation 2632494 (VCV002632494.2), dbSNP rs1449081255, ClinGen allele CA382920867.

ClinVar aggregate classification (germline): Uncertain significance. Review status: criteria provided, multiple submitters, no conflicts (2 of 4 stars). 2 submissions from 2 submitters: Uncertain significance (2). Last evaluated 2026-02-19.

Conditions:
Cardiovascular phenotype. Identifiers: MedGen CN230736.
CBL-related disorder. Also called: NOONAN SYNDROME-LIKE DISORDER WITHOUT JUVENILE MYELOMONOCYTIC LEUKEMIA; CBL MUTATION-ASSOCIATED SYNDROME; CBL SYNDROME. Identifiers: Orphanet 363972, MedGen C3150803, MONDO:0013308, OMIM 613563.

Allele frequency attached by ClinVar (database versions not stated): gnomAD exomes below 0.00001.
gnomAD v4.1: 2 of 1,614,034 alleles (0.00012%); highest among the groups gnomAD compares: Admixed American, 0.0017%; no homozygotes.

Submissions (2):

Ambry Genetics
Classification: Uncertain significance for Cardiovascular phenotype. Last evaluated: 2026-02-19. Review status: criteria provided, single submitter. Criteria: Ambry Variant Classification Scheme 2023. Collection method: clinical testing. Allele origin: germline.
Comment: The p.P630S variant (also known as c.1888C>T), located in coding exon 11 of the CBL gene, results from a C to T substitution at nucleotide position 1888. The proline at codon 630 is replaced by serine, an amino acid with similar properties. This amino acid position is conserved. In addition, this alteration is predicted to be tolerated by in silico analysis. Based on the available evidence, the clinical significance of this variant remains unclear.

PreventionGenetics, part of Exact Sciences
Classification: Uncertain significance for CBL-related condition. Last evaluated: 2023-06-19. Review status: criteria provided, single submitter. Criteria: ACMG Guidelines, 2015. Collection method: clinical testing. Allele origin: germline.
Comment: The CBL c.1888C>T variant is predicted to result in the amino acid substitution p.Pro630Ser. To our knowledge, this variant has not been reported in the literature. This variant is reported in 0.0029% of alleles in individuals of Latino descent in gnomAD. At this time, the clinical significance of this variant is uncertain due to the absence of conclusive functional and genetic evidence.